The following is an entry in ClinVar:

ClinVar aggregate classification (germline): Uncertain significance. Review status: criteria provided, multiple submitters, no conflicts (2 of 4 stars). 3 submissions from 3 submitters: Uncertain significance (3). Last evaluated 2025-06-01.

Conditions:
Inborn genetic diseases. Identifiers: MedGen C0950123, MeSH D030342.

Allele frequency attached by ClinVar (database versions not stated): ESP Exome Variant Server 0.00008; ExAC 0.00028.
gnomAD v4.1: 246 of 1,613,934 alleles (0.015%); highest among the groups gnomAD compares: South Asian, 0.055%; no homozygotes.

Submissions (3):

CeGaT Center for Human Genetics Tuebingen
Classification: Uncertain significance. Last evaluated: 2025-06-01. Review status: criteria provided, single submitter. Criteria: CeGaT Center For Human Genetics Tuebingen Variant Classification Criteria Version 2. Collection method: clinical testing. Allele origin: germline. Affected: yes. Observed: 1 variant allele.
Comment: SPTB: PM2, BP4

Revvity Omics, Revvity
Classification: Uncertain significance. Last evaluated: 2024-11-06. Review status: criteria provided, single submitter. Criteria: ACMG Guidelines, 2015. Collection method: clinical testing. Allele origin: germline.

Ambry Genetics
Classification: Uncertain significance for Inborn genetic diseases. Last evaluated: 2023-05-23. Review status: criteria provided, single submitter. Criteria: Ambry Variant Classification Scheme 2023. Collection method: clinical testing. Allele origin: germline.

NM_001355436.2(SPTB):c.6235C>T (p.Arg2079Cys)

Gene: SPTB (spectrin beta, erythrocytic; minus strand). Cytogenetic location: 14q23.3.
Variant type: single nucleotide variant.
Coding change: c.6235C>T on transcript NM_001355436.2 (MANE Select); coding-DNA position 6235, C replaced by T.
Protein change: p.Arg2079Cys; replaces arginine 2079 with cysteine.
Molecular consequence: missense variant.
Genome position (GRCh38, 1-based): chr14:64,767,337, G>A on the plus strand (C>T on the coding strand, the complement: SPTB is on the minus strand). VCF-style: chr14-64767337-G-A. GRCh37 (hg19) VCF-style: chr14-65234055-G-A.
Other names: NM_000347.5:c.6235C>T; c.6235C>T, p.Arg2079Cys (NM_001024858.4, NM_001355437.2); short protein forms R2079C.
Identifiers: ClinVar variation 2512069 (VCV002512069.11), dbSNP rs192618182, ClinGen allele CA7229719.